The following is an entry in ClinVar:

NM_001195626.3(MLLT10):c.297T>C (p.Gly99=)

Gene: MLLT10 (MLLT10 histone lysine methyltransferase DOT1L cofactor; plus strand). Cytogenetic location: 10p12.31.
Variant type: single nucleotide variant.
Coding change: c.297T>C on transcript NM_001195626.3 (MANE Select); coding-DNA position 297, T replaced by C.
Protein change: p.Gly99=; no amino-acid change (glycine 99 retained).
Molecular consequence: synonymous variant. On other transcripts: 5 prime UTR variant (1), non-coding transcript variant (1).
Genome position (GRCh38, 1-based): chr10:21,595,332, T>C. VCF-style: chr10-21595332-T-C. GRCh37 (hg19) VCF-style: chr10-21884261-T-C.
Other names: c.-575T>C (NM_001324297.2); c.297T>C, p.Gly99= (NM_004641.4).
Identifiers: ClinVar variation 3042783 (VCV003042783.2), dbSNP rs144239673, ClinGen allele CA5434483.

ClinVar aggregate classification (germline): Likely benign (0 of 4 stars; one submission).

Conditions:
MLLT10-related disorder. Also called: MLLT10-related condition.

Allele frequency attached by ClinVar (database versions not stated): ExAC 0.00007; ESP Exome Variant Server 0.00008; gnomAD 0.00008; TOPMed 0.00009; gnomAD exomes 0.00010.
gnomAD v4.1: 158 of 1,608,440 alleles (0.0098%); highest among the groups gnomAD compares: Non-Finnish European, 0.013%; no homozygotes.

Submission:

PreventionGenetics, part of Exact Sciences
Classification: Likely benign for MLLT10-related condition. Last evaluated: 2019-06-25. Review status: no assertion criteria provided. Collection method: clinical testing. Allele origin: germline.
Comment: This variant is classified as likely benign based on ACMG/AMP sequence variant interpretation guidelines (Richards et al. 2015 PMID: 25741868, with internal and published modifications).